The following is an entry in ClinVar:

ClinVar aggregate classification (germline): Pathogenic (1 of 4 stars; one submission).

Submission:

Labcorp Genetics (formerly Invitae), Labcorp
Classification: Pathogenic. Last evaluated: 2023-12-11. Review status: criteria provided, single submitter. Criteria: Invitae Variant Classification Sherloc (09022015). Collection method: clinical testing. Allele origin: unknown.
Comment: This variant is a gross deletion of the genomic region encompassing exon(s) 1-2 of the C1QBP gene, which includes the initiator codon. This deletion extends beyond the assayed region for this gene and therefore may encompass additional genes. It is expected to result in an absent or disrupted protein product. Loss-of-function variants in C1QBP are known to be pathogenic (PMID: 28498888, 28942965). This variant has not been reported in the literature in individuals affected with C1QBP-related conditions. For these reasons, this variant has been classified as Pathogenic.

Literature cited by the submitters: PubMed 28498888; PubMed 28942965.

NC_000017.10:g.(?_5341423)_(5342393_?)del

Gene: C1QBP (complement C1q binding protein; minus strand). Cytogenetic location: 17p13.2.
Variant type: Deletion.
Identifiers: ClinVar variation 3243139 (VCV003243139.1).